The following is an entry in ClinVar:

ClinVar aggregate classification (germline): Uncertain significance. Review status: criteria provided, multiple submitters, no conflicts (2 of 4 stars). 2 submissions from 2 submitters: Uncertain significance (2). Last evaluated 2025-02-20.

Conditions:
Cardiovascular phenotype. Identifiers: MedGen CN230736.

gnomAD v4.1: 15 of 1,550,394 alleles (0.00097%); highest among the groups gnomAD compares: Non-Finnish European, 0.0012%; no homozygotes.

Submissions (2):

Ambry Genetics
Classification: Uncertain significance for Cardiovascular phenotype. Last evaluated: 2025-02-20. Review status: criteria provided, single submitter. Criteria: Ambry Variant Classification Scheme 2023. Collection method: clinical testing. Allele origin: germline.
Comment: The p.I860M variant (also known as c.2580C>G), located in coding exon 1 of the ZNF469 gene, results from a C to G substitution at nucleotide position 2580. The isoleucine at codon 860 is replaced by methionine, an amino acid with highly similar properties. This amino acid position is conserved. In addition, this alteration is predicted to be tolerated by in silico analysis. Based on the available evidence, the clinical significance of this variant remains unclear.

Labcorp Genetics (formerly Invitae), Labcorp
Classification: Uncertain significance. Last evaluated: 2022-04-23. Review status: criteria provided, single submitter. Criteria: Invitae Variant Classification Sherloc (09022015). Collection method: clinical testing. Allele origin: germline.
Comment: This sequence change replaces isoleucine, which is neutral and non-polar, with methionine, which is neutral and non-polar, at codon 860 of the ZNF469 protein (p.Ile860Met). This variant is present in population databases (no rsID available, gnomAD 0.002%). This variant has not been reported in the literature in individuals affected with ZNF469-related conditions. Algorithms developed to predict the effect of missense changes on protein structure and function are either unavailable or do not agree on the potential impact of this missense change (SIFT: "Deleterious"; PolyPhen-2: "Probably Damaging"; Align-GVGD: "Class C0"). In summary, the available evidence is currently insufficient to determine the role of this variant in disease. Therefore, it has been classified as a Variant of Uncertain Significance.

NM_001367624.2(ZNF469):c.2580C>G (p.Ile860Met)

Gene: ZNF469 (zinc finger protein 469; plus strand). Cytogenetic location: 16q24.2.
Variant type: single nucleotide variant.
Coding change: c.2580C>G on transcript NM_001367624.2 (MANE Select); coding-DNA position 2580, C replaced by G.
Protein change: p.Ile860Met; replaces isoleucine 860 with methionine.
Molecular consequence: missense variant.
Genome position (GRCh38, 1-based): chr16:88,430,050, C>G. VCF-style: chr16-88430050-C-G. GRCh37 (hg19) VCF-style: chr16-88496458-C-G.
Other names: NM_001127464.1:c.2580C>G; short protein forms I860M.
Identifiers: ClinVar variation 2129669 (VCV002129669.5), dbSNP rs1054988221, ClinGen allele CA397073512.